The following is an entry in ClinVar:

ClinVar aggregate classification (germline): Pathogenic/Likely pathogenic. Review status: criteria provided, multiple submitters, no conflicts (2 of 4 stars). 9 submissions from 9 submitters: Pathogenic (6); Likely pathogenic (1). 2 of the submissions do not count toward it. Last evaluated 2025-12-30.

Conditions:
Metachromatic leukodystrophy (MLD). Also called: Cerebral sclerosis diffuse metachromatic form; Arylsulfatase A Deficiency; CEREBROSIDE SULFATASE DEFICIENCY; METACHROMATIC LEUKOENCEPHALOPATHY; SULFATIDE LIPIDOSIS; ARSA DEFICIENCY. Identifiers: Orphanet 512, MedGen C0023522, MONDO:0018868, OMIM 250100.

Allele frequency attached by ClinVar (database versions not stated): gnomAD exomes 0.00002 and 0.00001.

Submissions (10):

Natera, Inc.
Classification: Pathogenic for Metachromatic leukodystrophy. Last evaluated: 2025-12-30. Review status: criteria provided, single submitter. Criteria: Natera Variant Classification Schema (03/2026). Collection method: clinical testing. Allele origin: germline.
Comment: The c.938G>A variant in ARSA is a missense variant predicted to cause substitution of arginine to glutamine at amino acid 313. This variant is rare in the general population with a frequency below the threshold expected for the associated phenotype(s). This variant has been observed in one or more individuals affected with the associated recessive disease, as either homozygous or compound heterozygous with a second variant (PMID: 31969187, 28667691, 33855715). Additionally, this variant has been observed to segregate in affected family members (PMID: 21167507). Functional studies show that this variant may disrupt protein function (PMID: 26553228). A different variant at the same position has been determined to be Pathogenic or Likely Pathogenic. Computational prediction algorithms indicate this variant is likely to affect gene or protein function. Given the available evidence, this variant is classified as Pathogenic.

Fulgent Genetics
Classification: Pathogenic for Metachromatic leukodystrophy. Last evaluated: 2024-04-03. Review status: criteria provided, single submitter. Criteria: ACMG Guidelines, 2015. Collection method: clinical testing. Allele origin: germline.

Women's Health and Genetics/Laboratory Corporation of America, LabCorp
Classification: Pathogenic for Metachromatic leukodystrophy. Last evaluated: 2024-04-02. Review status: criteria provided, single submitter. Criteria: LabCorp Variant Classification Summary - May 2015. Collection method: clinical testing. Allele origin: germline.
Comment: Variant summary: ARSA c.938G>A (p.Arg313Gln) results in a conservative amino acid change in the encoded protein sequence. Three of four in-silico tools predict a damaging effect of the variant on protein function. The variant allele was found at a frequency of 8.3e-06 in 241990 control chromosomes. c.938G>A has been reported in the literature in multiple homozygous and compound heterozygous individuals affected with Metachromatic Leukodystrophy (e.g. Barth_1995, Biffi_2008, Shukla_2011, Fumagalli_2021). These data indicate that the variant is very likely to be associated with disease. To our knowledge, no direct experimental evidence demonstrating an impact on protein function has been reported, although cells from homozygous or compound heterozygous patients showed little or no detectible ASA enzymatic activity (e.g. Biffi_2008, Shukla_2011). The following publications have been ascertained in the context of this evaluation (PMID: 21167507, 7581401, 18786133, 33855715). ClinVar contains an entry for this variant (Variation ID: 68165). Based on the evidence outlined above, the variant was classified as pathogenic.

Labcorp Genetics (formerly Invitae), Labcorp
Classification: Pathogenic for Metachromatic leukodystrophy. Last evaluated: 2024-01-08. Review status: criteria provided, single submitter. Criteria: Invitae Variant Classification Sherloc (09022015). Collection method: clinical testing. Allele origin: germline.
Comment: This sequence change replaces arginine, which is basic and polar, with glutamine, which is neutral and polar, at codon 313 of the ARSA protein (p.Arg313Gln). This variant is present in population databases (rs199476382, gnomAD 0.003%). This missense change has been observed in individual(s) with metachromatic leukodystrophy (PMID: 21167507, 28667691). This variant is also known as Arg311Gln. ClinVar contains an entry for this variant (Variation ID: 68165). Advanced modeling of protein sequence and biophysical properties (such as structural, functional, and spatial information, amino acid conservation, physicochemical variation, residue mobility, and thermodynamic stability) performed at Invitae indicates that this missense variant is expected to disrupt ARSA protein function with a positive predictive value of 95%. This variant disrupts the p.Arg313 amino acid residue in ARSA. Other variant(s) that disrupt this residue have been observed in individuals with ARSA-related conditions (PMID: 26462614), which suggests that this may be a clinically significant amino acid residue. For these reasons, this variant has been classified as Pathogenic.

Mayo Clinic Laboratories, Mayo Clinic
Classification: Pathogenic. Last evaluated: 2020-07-16. Review status: criteria provided, single submitter. Criteria: ACMG Guidelines, 2015. Collection method: clinical testing. Allele origin: germline. Observed: 1 variant allele.
Comment: PS3, PS4_Moderate, PM2, PP4, PP3

GeneDx
Classification: Likely pathogenic. Last evaluated: 2016-08-29. Review status: criteria provided, single submitter. Criteria: GeneDx Variant Classification (06012015). Collection method: clinical testing. Allele origin: germline. Affected: yes.
Comment: The R313Q variant in the ARSA gene, also known as R311Q using alternate nomenclature, has been reported previously in association with late-infantile metachromatic leukodystrophy in two siblings who were homozygous for R313Q (Shukla et al., 2011; Liaw et al., 2015) and in an affected individual who was heterozygous for R313Q as well as heterozygous for a second pathogenic variant in the ARSA gene (Biffi et al., 2008). The R313Q variant has also been reported in an individual with juvenile metachromatic leukodystrophy who was heterozygous for R313Q without an identified second pathogenic variant but who was also heterozygous for an ARSA pseudodeficiency allele (Barth et al., 1995). The R313Q variant was not observed in approximately 6,500 individuals of European and African American ancestry in the NHLBI Exome Sequencing Project, indicating it is not a common benign variant in these populations. The R313Q variant is a semi-conservative amino acid substitution, which may impact secondary protein structure as these residues differ in some properties. This substitution occurs at a position that is conserved across species. In silico analysis predicts this variant is probably damaging to the protein structure/function. A missense variant at this same residue (R313P) as well as in nearby residues (G310V, G310D, G311S, E314D, A316T, A316D) have been reported in the Human Gene Mutation Database in association with metachromatic leukodystrophy (Stenson et al., 2014), supporting the functional importance of this region of the protein. The R313Q variant is a strong candidate for a pathogenic variant, however the possibility it may be a rare benign variant cannot be excluded.

Neuberg Centre For Genomic Medicine, NCGM
Classification: Pathogenic for Metachromatic leukodystrophy. Review status: criteria provided, single submitter. Criteria: ACMG Guidelines, 2015. Collection method: clinical testing. Allele origin: germline. Affected: yes.
Comment: The missense variant p.R313Q in ARSA (NM_000487.6) has been observed to be homozygous in individuals affected with metachromatic leukodystrophy (Shukla P et al; Gonorazky HD et al). Other variant(s) that disrupt this residue have been observed in individuals with ARSA-related conditions, indicating that the residue is functionally important(Cesani M et al). This variant was found in ClinVar (Variant 68165) with a classification of Pathogenic/Likely Pathogenic. The p.R313Q variant is observed in 1/29,832 (0.0034%) alleles from individuals of South Asian background in gnomAD Exomes and is novel (not in any individuals) in 1000 Genomes. In silico tools are contradictory in their predictions (SIFT-Tolerated, Polyphen- Damaging) and the residue is conserved across species. For these reasons, this variant has been classified as Pathogenic

Counsyl
Classification: Likely pathogenic for Metachromatic leukodystrophy. Last evaluated: 2018-12-13. Review status: no assertion criteria provided. Collection method: clinical testing. Allele origin: unknown. Not counted in ClinVar's aggregate classification.

Gelb Laboratory, University of Washington
No classification provided (evidence only). Condition: Metachromatic leukodystrophy. Review status: no classification provided. Collection method: in vitro. Allele origin: not applicable. Functional consequence: loss of function. Not counted in ClinVar's aggregate classification.

UniProtKB/Swiss-Prot
No classification provided. Review status: no classification provided. Collection method: not provided. Allele origin: not provided. Not counted in ClinVar's aggregate classification.

Literature cited by the submitters: PubMed 31969187 (cited by Natera, Inc. and Mayo Clinic Laboratories, Mayo Clinic); PubMed 28667691 (cited by 4 submitters); PubMed 33855715 (cited by Natera, Inc. and Women's Health and Genetics/Laboratory Corporation of America, LabCorp); PubMed 21167507 (cited by 5 submitters); PubMed 26553228 (cited by Natera, Inc. and Mayo Clinic Laboratories, Mayo Clinic); PubMed 7581401 (cited by Women's Health and Genetics/Laboratory Corporation of America, LabCorp and Counsyl); PubMed 18786133 (cited by 3 submitters); PubMed 26462614 (cited by Labcorp Genetics (formerly Invitae), Labcorp); PubMed 31694723 (cited by Mayo Clinic Laboratories, Mayo Clinic); PubMed 16546179 (cited by Counsyl).

NM_000487.6(ARSA):c.938G>A (p.Arg313Gln)

Gene: ARSA (arylsulfatase A; minus strand). Cytogenetic location: 22q13.33.
Variant type: single nucleotide variant.
Coding change: c.938G>A on transcript NM_000487.6 (MANE Select); coding-DNA position 938, G replaced by A.
Protein change: p.Arg313Gln; replaces arginine 313 with glutamine.
Molecular consequence: missense variant.
Genome position (GRCh38, 1-based): chr22:50,626,195, C>T on the plus strand (G>A on the coding strand, the complement: ARSA is on the minus strand). VCF-style: chr22-50626195-C-T. GRCh37 (hg19) VCF-style: chr22-51064623-C-T.
Other names: c.938G>A, p.Arg313Gln (NM_001085425.3, NM_001085426.3, NM_001085427.3); c.680G>A, p.Arg227Gln (NM_001085428.3, NM_001362782.2); short protein forms R313Q, R227Q.
Identifiers: ClinVar variation 68165 (VCV000068165.22), dbSNP rs199476382, ClinGen allele CA219086.